The following is an entry in ClinVar:

ClinVar aggregate classification (germline): Uncertain significance. Review status: criteria provided, multiple submitters, no conflicts (2 of 4 stars). 2 submissions from 2 submitters: Uncertain significance (2). Last evaluated 2024-03-06.

Conditions:
Cystinuria (CSNU). Also called: Cystinuria, non-type I; CYSTINURIA, TYPE I; CYSTINURIA, TYPE II; CYSTINURIA, TYPE III. Identifiers: Orphanet 214, MedGen C0010691, MONDO:0009067, OMIM 220100, HP:0003131.

Allele frequency attached by ClinVar (database versions not stated): gnomAD exomes 0.00005 and 0.00011; ExAC 0.00015; 1000 Genomes Project 30x 0.00031; gnomAD 0.00036 and 0.00039; 1000 Genomes Project 0.00040; ESP Exome Variant Server 0.00046; TOPMed 0.00051.
gnomAD v4.1: 135 of 1,614,078 alleles (0.0084%); highest among the groups gnomAD compares: African/African-American, 0.13%; no homozygotes.

Submissions (2):

Fulgent Genetics
Classification: Uncertain significance for Cystinuria. Last evaluated: 2024-03-06. Review status: criteria provided, single submitter. Criteria: ACMG Guidelines, 2015. Collection method: clinical testing. Allele origin: germline.

Labcorp Genetics (formerly Invitae), Labcorp
Classification: Uncertain significance for Cystinuria. Last evaluated: 2021-08-30. Review status: criteria provided, single submitter. Criteria: Invitae Variant Classification Sherloc (09022015). Collection method: clinical testing. Allele origin: germline.
Comment: This sequence change replaces aspartic acid with asparagine at codon 590 of the SLC3A1 protein (p.Asp590Asn). The aspartic acid residue is moderately conserved and there is a small physicochemical difference between aspartic acid and asparagine. This variant is present in population databases (rs200436145, ExAC 0.1%). This variant has not been reported in the literature in individuals affected with SLC3A1-related conditions. Algorithms developed to predict the effect of missense changes on protein structure and function output the following: SIFT: "Tolerated"; PolyPhen-2: "Benign"; Align-GVGD: "Class C0". The asparagine amino acid residue is found in multiple mammalian species, which suggests that this missense change does not adversely affect protein function. In summary, the available evidence is currently insufficient to determine the role of this variant in disease. Therefore, it has been classified as a Variant of Uncertain Significance.

NM_000341.4(SLC3A1):c.1768G>A (p.Asp590Asn)

Genes: PREPL (prolyl endopeptidase like; minus strand), SLC3A1 (solute carrier family 3 member 1; plus strand). Cytogenetic location: 2p21.
Variant type: single nucleotide variant.
Coding change: c.1768G>A on transcript NM_000341.4 (MANE Select); coding-DNA position 1768, G replaced by A.
Protein change: p.Asp590Asn; replaces aspartic acid 590 with asparagine.
Molecular consequence: missense variant. On other transcripts: 3 prime UTR variant (10).
Genome position (GRCh38, 1-based): chr2:44,320,349, G>A. VCF-style: chr2-44320349-G-A. GRCh37 (hg19) VCF-style: chr2-44547488-G-A.
Other names: c.*1007C>T (NM_001042385.2, NM_001042386.2, NM_001171603.1 and 7 more transcripts); short protein forms D590N.
Identifiers: ClinVar variation 1041951 (VCV001041951.7), dbSNP rs200436145, ClinGen allele CA1640756.
Genomic context (GRCh38, chr2:44,320,349, plus strand): 5'-TTTTGCCATTTGAGGAATGACAGCCACTATGTTGTGTACACAAGAGAGCTGGATGGCATC[G>A]ACAGAATCTTTATCGTGGTTCTGAATTTTGGAGAATCAACACTGTTAAATCTACATAATA-3'
Protein context (NP_000332.2, residues 580-600): VVYTRELDGI[Asp590Asn]RIFIVVLNFG